The following is an entry in ClinVar:

ClinVar aggregate classification (germline): Likely pathogenic (1 of 4 stars; one submission).

Conditions:
Amelogenesis imperfecta type 1G (AI1G). Also called: Amelogenesis imperfecta hypoplastic type, IG; Amelogenesis imperfecta and nephrocalcinosis; Amelogenesis imperfecta nephrocalcinosis; Enamel renal syndrome; Absent enamel, nephrocalcinosis and apparently normal calcium metabolism; Generalized enamel hypoplasia and renal dysfunction. Identifiers: Orphanet 1031, Orphanet 171836, MedGen C2931783, MONDO:0008771, OMIM 204690. Disease mechanism: loss of function.

gnomAD v4.1: 8 of 1,614,064 alleles (0.0005%); highest among the groups gnomAD compares: Admixed American, 0.0017%; no homozygotes.

Submission:

Center of Excellence in Precision Medicine and Digital Health (CEPMDH), Faculty of Dentistry, Chulalongkorn University
Classification: Likely pathogenic for Amelogenesis imperfecta type 1G. Review status: criteria provided, single submitter. Criteria: ACMG Guidelines, 2015. Collection method: clinical testing. Allele origin: paternal, germline. Inheritance: Autosomal recessive inheritance. Affected: yes and no. Observed: 2 variant alleles, 1 heterozygote, 1 compound heterozygote.

NM_017565.4(FAM20A):c.1231C>T (p.Arg411Trp)

Genes: FAM20A (FAM20A golgi associated secretory pathway pseudokinase; minus strand), PRKAR1A (protein kinase cAMP-dependent type I regulatory subunit alpha; plus strand). Cytogenetic location: 17q24.2.
Variant type: single nucleotide variant.
Coding change: c.1231C>T on transcript NM_017565.4 (MANE Select); coding-DNA position 1231, C replaced by T.
Protein change: p.Arg411Trp; replaces arginine 411 with tryptophan.
Molecular consequence: missense variant. On other transcripts: non-coding transcript variant (1), intron variant (1).
Genome position (GRCh38, 1-based): chr17:68,539,955, G>A on the plus strand (C>T on the coding strand, the complement: FAM20A is on the minus strand). VCF-style: chr17-68539955-G-A. GRCh37 (hg19) VCF-style: chr17-66536096-G-A.
Other names: c.817C>T, p.Arg273Trp (NM_001243746.2); c.973+9954G>A (NM_001276290.1); short protein forms R273W, R411W.
Identifiers: ClinVar variation 1691423 (VCV001691423.3), dbSNP rs149970399, ClinGen allele CA400757202.